The following is an entry in ClinVar:

NM_001378024.1(ARHGAP32):c.4887A>G (p.Arg1629=)

Gene: ARHGAP32 (Rho GTPase activating protein 32; minus strand). Cytogenetic location: 11q24.3.
Variant type: single nucleotide variant.
Coding change: c.4887A>G on transcript NM_001378024.1 (MANE Select); coding-DNA position 4887, A replaced by G.
Protein change: p.Arg1629=; no amino-acid change (arginine 1629 retained).
Molecular consequence: synonymous variant.
Genome position (GRCh38, 1-based): chr11:128,970,326, T>C on the plus strand (A>G on the coding strand, the complement: ARHGAP32 is on the minus strand). VCF-style: chr11-128970326-T-C. GRCh37 (hg19) VCF-style: chr11-128840221-T-C.
Other names: c.4845A>G, p.Arg1615= (NM_001142685.2); c.4725A>G, p.Arg1575= (NM_001378025.1); c.3798A>G, p.Arg1266= (NM_014715.4).
Identifiers: ClinVar variation 746993 (VCV000746993.29), dbSNP rs146744767, ClinGen allele CA6358482.

ClinVar aggregate classification (germline): Likely benign. Review status: criteria provided, multiple submitters, no conflicts (2 of 4 stars). 3 submissions from 3 submitters: Likely benign (2). 1 of the submissions does not count toward it. Last evaluated 2025-10-01.

Conditions:
ARHGAP32-related disorder. Also called: ARHGAP32-related condition.

Allele frequency attached by ClinVar (database versions not stated): gnomAD 0.00055 and 0.00057; TOPMed 0.00055; ESP Exome Variant Server 0.00062; gnomAD exomes 0.00077 and 0.00047; 1000 Genomes Project 30x 0.00016; 1000 Genomes Project 0.00020; ExAC 0.00038.
gnomAD v4.1: 1,195 of 1,613,850 alleles (0.074%); highest among the groups gnomAD compares: Middle Eastern, 0.099%; 3 homozygotes.

Submissions (3):

CeGaT Center for Human Genetics Tuebingen
Classification: Likely benign. Last evaluated: 2025-10-01. Review status: criteria provided, single submitter. Criteria: CeGaT Center For Human Genetics Tuebingen Variant Classification Criteria Version 2. Collection method: clinical testing. Allele origin: germline. Affected: yes. Observed: 2 variant alleles.
Comment: ARHGAP32: BP4, BP7

Labcorp Genetics (formerly Invitae), Labcorp
Classification: Likely benign. Last evaluated: 2019-12-31. Review status: criteria provided, single submitter. Criteria: Invitae Variant Classification Sherloc (09022015). Collection method: clinical testing. Allele origin: germline.

PreventionGenetics, part of Exact Sciences
Classification: Likely benign for ARHGAP32-related condition. Last evaluated: 2019-05-08. Review status: no assertion criteria provided. Collection method: clinical testing. Allele origin: germline. Not counted in ClinVar's aggregate classification.
Comment: This variant is classified as likely benign based on ACMG/AMP sequence variant interpretation guidelines (Richards et al. 2015 PMID: 25741868, with internal and published modifications).